The following is an entry in ClinVar:

ClinVar aggregate classification (germline): Uncertain significance. Review status: criteria provided, multiple submitters, no conflicts (2 of 4 stars). 3 submissions from 3 submitters: Uncertain significance (3). Last evaluated 2024-05-01.

Conditions:
Orofaciodigital syndrome type 6 (OFD6). Also called: OROFACIODIGITAL SYNDROME VI; OFDS VI; POLYDACTYLY, CLEFT LIP/PALATE OR LINGUAL LUMP, AND PSYCHOMOTOR RETARDATION; VARADI SYNDROME; VARADI-PAPP SYNDROME; Oral-facial-digital syndrome type 6. Identifiers: Orphanet 2754, MedGen C2745997, MONDO:0010176, OMIM 277170.
Joubert syndrome 17 (JBTS17). Identifiers: Orphanet 475, MedGen C3553264, MONDO:0013824, OMIM 614615.

Allele frequency attached by ClinVar (database versions not stated): ExAC 0.00004; gnomAD exomes 0.00005 and 0.00006; gnomAD 0.00007 and 0.00008; TOPMed 0.00011.
gnomAD v4.1: 84 of 1,613,990 alleles (0.0052%); highest among the groups gnomAD compares: East Asian, 0.049%; no homozygotes.

Submissions (3):

Fulgent Genetics
Classification: Uncertain significance for Orofaciodigital syndrome type 6; Joubert syndrome 17. Last evaluated: 2024-05-01. Review status: criteria provided, single submitter. Criteria: ACMG Guidelines, 2015. Collection method: clinical testing. Allele origin: germline.

Labcorp Genetics (formerly Invitae), Labcorp
Classification: Uncertain significance. Last evaluated: 2023-08-24. Review status: criteria provided, single submitter. Criteria: Invitae Variant Classification Sherloc (09022015). Collection method: clinical testing. Allele origin: germline.
Comment: ClinVar contains an entry for this variant (Variation ID: 158061). This variant has not been reported in the literature in individuals affected with CPLANE1-related conditions. This variant is present in population databases (rs587783354, gnomAD 0.02%). This sequence change replaces threonine, which is neutral and polar, with methionine, which is neutral and non-polar, at codon 3121 of the CPLANE1 protein (p.Thr3121Met). Advanced modeling of protein sequence and biophysical properties (such as structural, functional, and spatial information, amino acid conservation, physicochemical variation, residue mobility, and thermodynamic stability) performed at Invitae indicates that this missense variant is not expected to disrupt CPLANE1 protein function. In summary, the available evidence is currently insufficient to determine the role of this variant in disease. Therefore, it has been classified as a Variant of Uncertain Significance.

Genetic Services Laboratory, University of Chicago
Classification: Uncertain significance for Joubert syndrome 17. Last evaluated: 2014-07-09. Review status: criteria provided, single submitter. Criteria: ACMG Guidelines, 2015. Collection method: clinical testing. Allele origin: germline. Inheritance: Autosomal recessive inheritance.

NM_001384732.1(CPLANE1):c.9524C>T (p.Thr3175Met)

Gene: CPLANE1 (ciliogenesis and planar polarity effector complex subunit 1; minus strand). Cytogenetic location: 5p13.2.
Variant type: single nucleotide variant.
Coding change: c.9524C>T on transcript NM_001384732.1 (MANE Select); coding-DNA position 9524, C replaced by T.
Protein change: p.Thr3175Met; replaces threonine 3175 with methionine.
Molecular consequence: missense variant.
Genome position (GRCh38, 1-based): chr5:37,108,348, G>A on the plus strand (C>T on the coding strand, the complement: CPLANE1 is on the minus strand). VCF-style: chr5-37108348-G-A. GRCh37 (hg19) VCF-style: chr5-37108450-G-A.
Other names: c.9362C>T, p.Thr3121Met (NM_023073.4); short protein forms T3121M, T3175M.
Identifiers: ClinVar variation 158061 (VCV000158061.11), dbSNP rs587783354, ClinGen allele CA271187.